The following is an entry in ClinVar:

NM_006265.3(RAD21):c.1065G>A (p.Pro355=)

Gene: RAD21 (RAD21 cohesin complex component; minus strand). Cytogenetic location: 8q24.11.
Variant type: single nucleotide variant.
Coding change: c.1065G>A on transcript NM_006265.3 (MANE Select); coding-DNA position 1065, G replaced by A.
Protein change: p.Pro355=; no amino-acid change (proline 355 retained).
Molecular consequence: synonymous variant.
Genome position (GRCh38, 1-based): chr8:116,854,341, C>T on the plus strand (G>A on the coding strand, the complement: RAD21 is on the minus strand). VCF-style: chr8-116854341-C-T. GRCh37 (hg19) VCF-style: chr8-117866580-C-T.
Identifiers: ClinVar variation 473190 (VCV000473190.11), dbSNP rs202233096, ClinGen allele CA4852924.
Genomic context (GRCh38, chr8:116,854,341, plus strand): 5'-TAAAGAAAACAGTTTTTCTACTCCTCCTGTCTCTTTCCACATCATCAATTTCTTGGTGGG[C>T]GGTGCCAGATCCAAAGTAGTAACAATATCTGAATAATCACTAAGTTGGGCTCTAATTGTC-3'
Protein context (NP_006256.1, residues 345-365): SDIVTTLDLA[Pro355=]PTKKLMMWKE

ClinVar aggregate classification (germline): Likely benign. Review status: criteria provided, multiple submitters, no conflicts (2 of 4 stars). 2 submissions from 2 submitters: Likely benign (2). Last evaluated 2026-05-01.

Conditions:
Cornelia de Lange syndrome 4 (CDLS4). Also called: RAD21-Related Cornelia de Lange Syndrome; CORNELIA DE LANGE SYNDROME 4 WITH OR WITHOUT MIDLINE BRAIN DEFECTS. Identifiers: Orphanet 199, MedGen C3553517, MONDO:0013864, OMIM 614701.

Allele frequency attached by ClinVar (database versions not stated): gnomAD exomes 0.00004 and 0.00002; 1000 Genomes Project 30x 0.00031; 1000 Genomes Project 0.00040; gnomAD 0.00001 and 0.00003; TOPMed 0.00002; ExAC 0.00004.
gnomAD v4.1: 35 of 1,613,680 alleles (0.0022%); highest among the groups gnomAD compares: East Asian, 0.04%; no homozygotes.

Submissions (2):

CeGaT Center for Human Genetics Tuebingen
Classification: Likely benign. Last evaluated: 2026-05-01. Review status: criteria provided, single submitter. Criteria: CeGaT Center For Human Genetics Tuebingen Variant Classification Criteria Version 2. Collection method: clinical testing. Allele origin: germline. Affected: yes. Observed: 1 variant allele.
Comment: RAD21: BP4, BP7

Labcorp Genetics (formerly Invitae), Labcorp
Classification: Likely benign for Cornelia de Lange syndrome 4. Last evaluated: 2017-02-24. Review status: criteria provided, single submitter. Criteria: Invitae Variant Classification Sherloc (09022015). Collection method: clinical testing. Allele origin: germline.